The following is an entry in ClinVar:

NM_001291303.3(FAT4):c.6062A>G (p.His2021Arg)

Gene: FAT4 (FAT atypical cadherin 4; plus strand). Cytogenetic location: 4q28.1.
Variant type: single nucleotide variant.
Coding change: c.6062A>G on transcript NM_001291303.3 (MANE Select); coding-DNA position 6062, A replaced by G.
Protein change: p.His2021Arg; replaces histidine 2021 with arginine.
Molecular consequence: missense variant.
Genome position (GRCh38, 1-based): chr4:125,415,025, A>G. VCF-style: chr4-125415025-A-G. GRCh37 (hg19) VCF-style: chr4-126336180-A-G.
Other names: c.6062A>G, p.His2021Arg (NM_001291285.3, NM_024582.6); short protein forms H2021R.
Identifiers: ClinVar variation 3513358 (VCV003513358.2).

ClinVar aggregate classification (germline): Uncertain significance. Review status: criteria provided, multiple submitters, no conflicts (2 of 4 stars). 2 submissions from 2 submitters: Uncertain significance (2). Last evaluated 2025-11-26.

Conditions:
Inborn genetic diseases. Identifiers: MedGen C0950123, MeSH D030342.

gnomAD v4.1: 3 of 1,614,102 alleles (0.00019%); highest among the groups gnomAD compares: Non-Finnish European, 0.00025%; no homozygotes.

Submissions (2):

Labcorp Genetics (formerly Invitae), Labcorp
Classification: Uncertain significance. Last evaluated: 2025-11-26. Review status: criteria provided, single submitter. Criteria: Invitae Variant Classification Sherloc (09022015). Collection method: clinical testing. Allele origin: germline.
Comment: This sequence change replaces histidine, which is basic and polar, with arginine, which is basic and polar, at codon 2021 of the FAT4 protein (p.His2021Arg). This variant is not present in population databases (gnomAD no frequency). This variant has not been reported in the literature in individuals affected with FAT4-related conditions. ClinVar contains an entry for this variant (Variation ID: 3513358). Invitae Evidence Modeling of protein sequence and biophysical properties (such as structural, functional, and spatial information, amino acid conservation, physicochemical variation, residue mobility, and thermodynamic stability) indicates that this missense variant is not expected to disrupt FAT4 protein function with a negative predictive value of 80%. In summary, the available evidence is currently insufficient to determine the role of this variant in disease. Therefore, it has been classified as a Variant of Uncertain Significance.

Ambry Genetics
Classification: Uncertain significance for Inborn genetic diseases. Last evaluated: 2024-10-19. Review status: criteria provided, single submitter. Criteria: Ambry Variant Classification Scheme 2023. Collection method: clinical testing. Allele origin: germline.